The following is an entry in ClinVar:

NC_000004.11:g.(?_55124926)_(55161449_?)dup

Genes: PDGFRA (platelet derived growth factor receptor alpha; plus strand), LOC126807054 (BRD4-independent group 4 enhancer GRCh37_chr4:55147260-55148459; plus strand). Cytogenetic location: 4q12.
Variant type: Duplication.
Identifiers: ClinVar variation 655231 (VCV000655231.1).

ClinVar aggregate classification (germline): Uncertain significance (1 of 4 stars; one submission).

Conditions:
Gastrointestinal stromal tumor. Also called: Gastrointestinal stromal tumor, somatic; Gastrointestinal stroma tumor. Identifiers: Orphanet 44890, MedGen C0238198, MeSH D046152, MONDO:0011719, OMIM 606764, HP:0100723.

Submission:

Labcorp Genetics (formerly Invitae), Labcorp
Classification: Uncertain significance for Gastrointestinal stroma tumor. Last evaluated: 2018-10-15. Review status: criteria provided, single submitter. Criteria: Invitae Variant Classification Sherloc (09022015). Collection method: clinical testing. Allele origin: germline.
Comment: A gross duplication of the genomic region encompassing the full coding sequence of the PDGFRA gene has been identified. The boundaries of this event are unknown as the duplication extends beyond the assayed region for this gene and therefore may encompass additional genes. As the precise location of this duplication is unknown, it may be in tandem or it may be located elsewhere in the genome. This variant has not been reported in the literature in individuals with a PDGFRA-related disease. Experimental studies and prediction algorithms are not available for this variant, and the functional significance of the duplicated gene copies is currently unknown. In summary, the exact genomic location of this variant is unknown and the impact of this duplication on PDGFRA protein function has not been established. Therefore, it has been classified as a Variant of Uncertain Significance.